The following is an entry in ClinVar:

NM_001035.3(RYR2):c.1377C>A (p.Leu459=)

Gene: RYR2 (ryanodine receptor 2; plus strand). Cytogenetic location: 1q43.
Variant type: single nucleotide variant.
Coding change: c.1377C>A on transcript NM_001035.3 (MANE Select); coding-DNA position 1377, C replaced by A.
Protein change: p.Leu459=; no amino-acid change (leucine 459 retained).
Molecular consequence: synonymous variant.
Genome position (GRCh38, 1-based): chr1:237,454,475, C>A. VCF-style: chr1-237454475-C-A. GRCh37 (hg19) VCF-style: chr1-237617775-C-A.
Identifiers: ClinVar variation 3385671 (VCV003385671.1).
Genomic context (GRCh38, chr1:237,454,475, plus strand): 5'-AGCGAAGGCTTCCACAGTCGATTTGCCTATAGAGTCCGTAAGCCTAAGTCTGCAGGATCT[C>A]ATTGGCTACTTCCACCCCCCAGATGAGCATTTAGAGCATGAAGACAAACAGAACAGACTA-3'
Protein context (NP_001026.2, residues 449-469): IESVSLSLQD[Leu459=]IGYFHPPDEH

ClinVar aggregate classification (germline): Likely benign (1 of 4 stars; one submission).

Conditions:
Catecholaminergic polymorphic ventricular tachycardia (CVPT). Also called: Catecholamine-induced polymorphic ventricular tachycardia. Identifiers: Orphanet 3286, MedGen C5574922, MONDO:0017990.

gnomAD v4.1: 2 of 1,613,600 alleles (0.00012%); highest among the groups gnomAD compares: South Asian, 0.0022%; no homozygotes.

Submission:

All of Us Research Program, National Institutes of Health
Classification: Likely benign for Catecholaminergic polymorphic ventricular tachycardia. Last evaluated: 2024-03-14. Review status: criteria provided, single submitter. Criteria: ACMG Guidelines, 2015. Collection method: clinical testing. Allele origin: germline. Inheritance: Autosomal dominant inheritance. Observed: 1 variant allele, 1 heterozygote.
Comment: This study involves interpretation of variants in research participants for the purpose of population health screening. Participant phenotype was not available at the time of variant classification. Additional details can be found in publication PMID: 35346344, PMCID: PMC8962531